The following is an entry in ClinVar:

ClinVar aggregate classification (germline): Pathogenic (1 of 4 stars; one submission).

Submission:

Labcorp Genetics (formerly Invitae), Labcorp
Classification: Pathogenic. Last evaluated: 2020-08-11. Review status: criteria provided, single submitter. Criteria: Invitae Variant Classification Sherloc (09022015). Collection method: clinical testing. Allele origin: germline.
Comment: For these reasons, this variant has been classified as Pathogenic. This sequence change creates a premature translational stop signal (p.Thr2980Asnfs*22) in the VPS13A gene. It is expected to result in an absent or disrupted protein product. This variant is not present in population databases (ExAC no frequency). This variant has not been reported in the literature in individuals with VPS13A-related conditions. Loss-of-function variants in VPS13A are known to be pathogenic (PMID: 12404112, 21598378).

Literature cited by the submitters: PubMed 12404112; PubMed 21598378.

NM_033305.3(VPS13A):c.8939_8942del (p.Thr2980fs)

Gene: VPS13A (vacuolar protein sorting 13 homolog A; plus strand). Cytogenetic location: 9q21.2.
Variant type: Deletion.
Coding change: c.8939_8942del on transcript NM_033305.3 (MANE Select); coding-DNA positions 8939 to 8942, 4 bases deleted (CAAA; older notation c.8939_8942delCAAA).
Protein change: p.Thr2980fs; shifts the reading frame from threonine 2980.
Molecular consequence: frameshift variant.
Genome position (GRCh38, 1-based): chr9:77,370,921-77,370,924, CAAA deleted; deleting any 4 consecutive bases within chr9:77,370,920-77,370,924 gives the same sequence; the c. name uses the placement nearest the transcript's 3' end. VCF-style (leftmost placement, unchanged base first): chr9-77370919-TACAA-T. GRCh37 (hg19) VCF-style: chr9-79985835-TACAA-T.
Other names: c.8822_8825del, p.Thr2941fs (NM_001018037.2); c.8939_8942del, p.Thr2980fs (NM_001018038.3, NM_015186.4); short protein forms T2941fs, T2980fs.
Identifiers: ClinVar variation 1073928 (VCV001073928.7), dbSNP rs1832712113, ClinGen allele CA1857221557.